The following is an entry in ClinVar:

NC_000018.9:g.(?_20516815)_(21534612_?)del

Genes: ANKRD29 (ankyrin repeat domain 29; minus strand), CABLES1 (Cdk5 and Abl enzyme substrate 1; plus strand), LAMA3 (laminin subunit alpha 3; plus strand), NPC1 (NPC intracellular cholesterol transporter 1; minus strand), RBBP8 (RB binding protein 8, endonuclease; plus strand) and 3 more. Cytogenetic location: 18q11.2.
Variant type: Deletion.
Identifiers: ClinVar variation 3242762 (VCV003242762.1).

ClinVar aggregate classification (germline): Pathogenic (1 of 4 stars; one submission).

Conditions:
Niemann-Pick disease, type C1. Also called: NEUROVISCERAL STORAGE DISEASE WITH VERTICAL SUPRANUCLEAR OPHTHALMOPLEGIA; NIEMANN-PICK DISEASE WITH CHOLESTEROL ESTERIFICATION BLOCK; NIEMANN-PICK DISEASE WITHOUT SPHINGOMYELINASE DEFICIENCY; NIEMANN-PICK DISEASE, CHRONIC NEURONOPATHIC FORM; NIEMANN-PICK DISEASE, VARIANT TYPE C1. Identifiers: Orphanet 646, MedGen C3179455, MONDO:0009757, OMIM 257220.

Submission:

Labcorp Genetics (formerly Invitae), Labcorp
Classification: Pathogenic for Niemann-Pick disease, type C1. Last evaluated: 2023-04-12. Review status: criteria provided, single submitter. Criteria: Invitae Variant Classification Sherloc (09022015). Collection method: clinical testing. Allele origin: unknown.
Comment: For these reasons, this variant has been classified as Pathogenic. A similar copy number variant has been observed in individual(s) with clinical features of Niemann‚ÄìPick disease, type C (PMID: 20718790). A gross deletion of the genomic region encompassing the full coding sequence of the NPC1 gene has been identified. Loss-of-function variants in NPC1 are known to be pathogenic (PMID: 9211850). The boundaries of this event are unknown as they extend beyond the assayed region for this gene and therefore may encompass additional genes.

Literature cited by the submitters: PubMed 20718790; PubMed 9211850.